The following is an entry in ClinVar:

ClinVar aggregate classification (germline): Uncertain significance. Review status: criteria provided, multiple submitters, no conflicts (2 of 4 stars). 3 submissions from 3 submitters: Uncertain significance (3). Last evaluated 2026-01-05.

Conditions:
Inborn genetic diseases. Identifiers: MedGen C0950123, MeSH D030342.

Submissions (3):

Labcorp Genetics (formerly Invitae), Labcorp
Classification: Uncertain significance. Last evaluated: 2026-01-05. Review status: criteria provided, single submitter. Criteria: Invitae Variant Classification Sherloc (09022015). Collection method: clinical testing. Allele origin: germline.
Comment: This sequence change replaces lysine, which is basic and polar, with glutamine, which is neutral and polar, at codon 118 of the PDYN protein (p.Lys118Gln). This variant is present in population databases (rs759637367, gnomAD 0.003%). This variant has not been reported in the literature in individuals affected with PDYN-related conditions. ClinVar contains an entry for this variant (Variation ID: 3416716). Invitae Evidence Modeling of protein sequence and biophysical properties (such as structural, functional, and spatial information, amino acid conservation, physicochemical variation, residue mobility, and thermodynamic stability) indicates that this missense variant is not expected to disrupt PDYN protein function with a negative predictive value of 80%. In summary, the available evidence is currently insufficient to determine the role of this variant in disease. Therefore, it has been classified as a Variant of Uncertain Significance.

Ambry Genetics
Classification: Uncertain significance for Inborn genetic diseases. Last evaluated: 2024-06-26. Review status: criteria provided, single submitter. Criteria: Ambry Variant Classification Scheme 2023. Collection method: clinical testing. Allele origin: germline.

Blueprint Genetics
Classification: Uncertain significance. Last evaluated: 2018-07-13. Review status: criteria provided, single submitter. Criteria: ACMG Guidelines, 2015. Collection method: clinical testing. Allele origin: germline.

NM_024411.5(PDYN):c.352A>C (p.Lys118Gln)

Genes: PDYN (prodynorphin; minus strand), PDYN-AS1 (PDYN antisense RNA 1; plus strand). Cytogenetic location: 20p13.
Variant type: single nucleotide variant.
Coding change: c.352A>C on transcript NM_024411.5 (MANE Select); coding-DNA position 352, A replaced by C.
Protein change: p.Lys118Gln; replaces lysine 118 with glutamine.
Molecular consequence: missense variant.
Genome position (GRCh38, 1-based): chr20:1,980,736, T>G on the plus strand (A>C on the coding strand, the complement: PDYN is on the minus strand). VCF-style: chr20-1980736-T-G. GRCh37 (hg19) VCF-style: chr20-1961382-T-G.
Other names: c.352A>C, p.Lys118Gln (NM_001190892.1, NM_001190898.3, NM_001190899.2 and 1 more transcripts); short protein forms K118Q.
Identifiers: ClinVar variation 3416716 (VCV003416716.3).